The following is an entry in ClinVar:

ClinVar aggregate classification (germline): Uncertain significance (1 of 4 stars; one submission).

Conditions:
Severe combined immunodeficiency due to DNA-PKcs deficiency. Also called: IMMUNODEFICIENCY 26 WITH NEUROLOGIC ABNORMALITIES; Immunodeficiency 26 with or without neurologic abnormalities. Identifiers: Orphanet 317425, MedGen C4014833, MONDO:0014423, OMIM 615966.

Allele frequency attached by ClinVar (database versions not stated): gnomAD 0.00001; gnomAD exomes 0.00001 and 0.00003; TOPMed 0.00003.
gnomAD v4.1: 41 of 1,613,720 alleles (0.0025%); highest among the groups gnomAD compares: Non-Finnish European, 0.0035%; no homozygotes.

Submission:

Labcorp Genetics (formerly Invitae), Labcorp
Classification: Uncertain significance for Severe combined immunodeficiency due to DNA-PKcs deficiency. Last evaluated: 2019-02-10. Review status: criteria provided, single submitter. Criteria: Invitae Variant Classification Sherloc (09022015). Collection method: clinical testing. Allele origin: germline.
Comment: This sequence change replaces glutamine with glutamic acid at codon 3422 of the PRKDC protein (p.Gln3422Glu). The glutamine residue is weakly conserved and there is a small physicochemical difference between glutamine and glutamic acid. This variant is not present in population databases (ExAC no frequency). This variant has not been reported in the literature in individuals with PRKDC-related conditions. Algorithms developed to predict the effect of missense changes on protein structure and function are either unavailable or do not agree on the potential impact of this missense change (SIFT: Tolerated; PolyPhen-2: Not Available; Align-GVGD: Class C0). In summary, the available evidence is currently insufficient to determine the role of this variant in disease. Therefore, it has been classified as a Variant of Uncertain Significance.

NM_006904.7(PRKDC):c.10264C>G (p.Gln3422Glu)

Gene: PRKDC (protein kinase, DNA-activated, catalytic subunit; minus strand). Cytogenetic location: 8q11.21.
Variant type: single nucleotide variant.
Coding change: c.10264C>G on transcript NM_006904.7 (MANE Select); coding-DNA position 10264, C replaced by G.
Protein change: p.Gln3422Glu; replaces glutamine 3422 with glutamic acid.
Molecular consequence: missense variant.
Genome position (GRCh38, 1-based): chr8:47,799,243, G>C on the plus strand (C>G on the coding strand, the complement: PRKDC is on the minus strand). VCF-style: chr8-47799243-G-C. GRCh37 (hg19) VCF-style: chr8-48711804-G-C.
Other names: c.10264C>G, p.Gln3422Glu (NM_001081640.2); short protein forms Q3422E.
Identifiers: ClinVar variation 864396 (VCV000864396.2), dbSNP rs970289440, ClinGen allele CA176145687.